The following is an entry in ClinVar:

NM_000159.4(GCDH):c.148T>C (p.Trp50Arg)

Genes: GCDH (glutaryl-CoA dehydrogenase; plus strand), LOC117125594 (CRISPRi-FlowFISH-validated KLF1 regulatory element; plus strand). Cytogenetic location: 19p13.13.
Variant type: single nucleotide variant.
Coding change: c.148T>C on transcript NM_000159.4 (MANE Select); coding-DNA position 148, T replaced by C.
Protein change: p.Trp50Arg; replaces tryptophan 50 with arginine.
Molecular consequence: missense variant. On other transcripts: non-coding transcript variant (2).
Genome position (GRCh38, 1-based): chr19:12,891,851, T>C. VCF-style: chr19-12891851-T-C. GRCh37 (hg19) VCF-style: chr19-13002665-T-C.
Other names: c.148T>C, p.Trp50Arg (NM_013976.5); short protein forms W50R.
Identifiers: ClinVar variation 2577232 (VCV002577232.4), dbSNP rs758646992, ClinGen allele CA404314819.

ClinVar aggregate classification (germline): Pathogenic/Likely pathogenic. Review status: criteria provided, multiple submitters, no conflicts (2 of 4 stars). 4 submissions from 4 submitters: Pathogenic (1); Likely pathogenic (3). Last evaluated 2026-05-20.

Conditions:
Glutaric aciduria, type 1. Also called: GA I; Glutaricaciduria, type I; Glutaryl-CoA dehydrogenase deficiency; Glutaric acidemia type I; Glutaricacidemia Type 1; Glutaric Acidemia Type 1. Identifiers: Orphanet 25, MedGen C0268595, MONDO:0009281, OMIM 231670.

Submissions (4):

Myriad Genetics, Inc.
Classification: Likely pathogenic for Glutaric aciduria, type 1. Last evaluated: 2026-05-20. Review status: criteria provided, single submitter. Criteria: Myriad Autosomal Dominant, Autosomal Recessive and X-Linked Classification Criteria (2023). Collection method: clinical testing. Allele origin: unknown.
Comment: NM_000159.2(GCDH):c.148T>C(W50R) is a missense variant classified as likely pathogenic in the context of glutaric acidemia, GCDH-related. W50R has been observed in cases with relevant disease (PMID: 24332224, 32508882, 39914293). Relevant functional assessments of this variant are not available in the literature. W50R has not been observed in referenced population frequency databases. In summary, NM_000159.2(GCDH):c.148T>C(W50R) is a missense variant in a gene where loss of function is a known mechanism of disease, is predicted to disrupt protein function, and has been observed more frequently in cases with the relevant disease than in healthy populations. Please note: this variant was assessed in the context of healthy population screening.

Natera, Inc.
Classification: Likely pathogenic for Glutaric acidemia type 1. Last evaluated: 2025-12-26. Review status: criteria provided, single submitter. Criteria: Natera Variant Classification Schema (03/2026). Collection method: clinical testing. Allele origin: germline.
Comment: The c.148T>C variant in GCDH is a missense variant predicted to cause substitution of tryptophan to arginine at amino acid 50. This variant is rare in the general population with a frequency below the threshold expected for the associated phenotype(s). This variant has been observed in one or more individuals affected with the associated recessive disease, as either homozygous or compound heterozygous with a second variant (PMID: 24332224, 32508882). A different variant at the same position has been determined to be Pathogenic or Likely Pathogenic. Computational prediction algorithms indicate this variant is likely to affect gene or protein function. Given the available evidence, this variant is classified as Likely Pathogenic.

Women's Health and Genetics/Laboratory Corporation of America, LabCorp
Classification: Likely pathogenic for Glutaric aciduria, type 1. Last evaluated: 2023-07-24. Review status: criteria provided, single submitter. Criteria: LabCorp Variant Classification Summary - May 2015. Collection method: clinical testing. Allele origin: germline.
Comment: Variant summary: GCDH c.148T>C (p.Trp50Arg) results in a non-conservative amino acid change in the encoded protein sequence. Five of five in-silico tools predict a damaging effect of the variant on protein function. The variant was absent in 250314 control chromosomes (gnomAD). c.148T>C has been reported in the literature in individuals affected with Glutaric Acidemia Type 1 (examples: Chen_2011 and Wang_2014). These data indicate that the variant is likely to be associated with disease. Other variants affecting the same residue are asociated with Glutaric acidaemia 1, suggesting this residue may be critical for normal function of the protein (examples: p.Trp50Gly, p.Trp50Cys). The following publications have been ascertained in the context of this evaluation (PMID: 21811973, 24332224). No submitters have cited clinical-significance assessments for this variant to ClinVar after 2014. Based on the evidence outlined above, the variant was classified as likely pathogenic.

Baylor Genetics
Classification: Pathogenic for Glutaric aciduria, type 1. Last evaluated: 2023-02-12. Review status: criteria provided, single submitter. Criteria: ACMG Guidelines, 2015. Collection method: clinical testing. Allele origin: unknown.

Literature cited by the submitters: PubMed 24332224 (cited by 3 submitters); PubMed 32508882 (cited by Myriad Genetics, Inc. and Natera, Inc.); PubMed 39914293 (cited by Myriad Genetics, Inc.); PubMed 21811973 (cited by Women's Health and Genetics/Laboratory Corporation of America, LabCorp).